The following is an entry in ClinVar:

NM_000127.3(EXT1):c.1883+1G>T

Gene: EXT1 (exostosin glycosyltransferase 1; minus strand). Cytogenetic location: 8q24.11.
Variant type: single nucleotide variant.
Coding change: c.1883+1G>T on transcript NM_000127.3 (MANE Select); the canonical splice donor site of the intron after coding-DNA position 1883, G replaced by T.
Molecular consequence: splice donor variant.
Genome position (GRCh38, 1-based): chr8:117,807,216, C>A on the plus strand (G>T on the coding strand, the complement: EXT1 is on the minus strand). VCF-style: chr8-117807216-C-A. GRCh37 (hg19) VCF-style: chr8-118819455-C-A.
Identifiers: ClinVar variation 961767 (VCV000961767.10), dbSNP rs1823251265, ClinGen allele CA371877859.

ClinVar aggregate classification (germline): Pathogenic (1 of 4 stars; one submission).

Conditions:
Multiple congenital exostosis (EXT). Also called: Multiple exostoses; Hereditary multiple osteochondromas; Hereditary multiple exostoses; Hereditary multiple exostosis; Multiple osteochondromas; MULTIPLE CARTILAGINOUS EXOSTOSES. Identifiers: Orphanet 321, MedGen C0015306, MONDO:0005508, HP:0002762.

Submission:

Labcorp Genetics (formerly Invitae), Labcorp
Classification: Pathogenic for Multiple congenital exostosis. Last evaluated: 2019-10-24. Review status: criteria provided, single submitter. Criteria: Invitae Variant Classification Sherloc (09022015). Collection method: clinical testing. Allele origin: germline.
Comment: Donor and acceptor splice site variants typically lead to a loss of protein function (PMID: 16199547), and loss-of-function variants in EXT1 are known to be pathogenic (PMID: 10679937, 11391482, 19810120). For these reasons, this variant has been classified as Pathogenic. Disruption of this splice site has been observed in individual(s) with multiple osteochondromas (PMID: 23629877, 29126381, 24532482, 19810120). This variant is not present in population databases (ExAC no frequency). This sequence change affects a donor splice site in intron 9 of the EXT1 gene. It is expected to disrupt RNA splicing and likely results in an absent or disrupted protein product.

Literature cited by the submitters: PubMed 16199547; PubMed 10679937; PubMed 11391482; PubMed 19810120; PubMed 23629877; PubMed 29126381; PubMed 24532482.